The following is an entry in ClinVar:

NM_006899.5(IDH3B):c.398+5G>T

Gene: IDH3B (isocitrate dehydrogenase (NAD(+)) 3 non-catalytic subunit beta; minus strand). Cytogenetic location: 20p13.
Variant type: single nucleotide variant.
Coding change: c.398+5G>T on transcript NM_006899.5 (MANE Select); 5 bases into the intron after coding-DNA position 398, G replaced by T.
Molecular consequence: intron variant.
Genome position (GRCh38, 1-based): chr20:2,660,904, C>A on the plus strand (G>T on the coding strand, the complement: IDH3B is on the minus strand). VCF-style: chr20-2660904-C-A. GRCh37 (hg19) VCF-style: chr20-2641550-C-A.
Other names: c.398+5G>T (NM_174855.4, NM_001330763.2, NM_001258384.3).
Identifiers: ClinVar variation 1482869 (VCV001482869.6), dbSNP rs760502361, ClinGen allele CA9735300.

ClinVar aggregate classification (germline): Uncertain significance (1 of 4 stars; one submission).

Allele frequency attached by ClinVar (database versions not stated): ExAC 0.00001; gnomAD exomes 0.00001; TOPMed 0.00002.
gnomAD v4.1: 4 of 1,614,226 alleles (0.00025%); highest among the groups gnomAD compares: Admixed American, 0.0033%; no homozygotes.

Submission:

Labcorp Genetics (formerly Invitae), Labcorp
Classification: Uncertain significance. Last evaluated: 2022-11-15. Review status: criteria provided, single submitter. Criteria: Invitae Variant Classification Sherloc (09022015). Collection method: clinical testing. Allele origin: germline.
Comment: ClinVar contains an entry for this variant (Variation ID: 1482869). This sequence change falls in intron 5 of the IDH3B gene. It does not directly change the encoded amino acid sequence of the IDH3B protein. It affects a nucleotide within the consensus splice site. This variant is present in population databases (rs760502361, gnomAD 0.006%). This variant has not been reported in the literature in individuals affected with IDH3B-related conditions. Variants that disrupt the consensus splice site are a relatively common cause of aberrant splicing (PMID: 17576681, 9536098). Algorithms developed to predict the effect of sequence changes on RNA splicing suggest that this variant may disrupt the consensus splice site. In summary, the available evidence is currently insufficient to determine the role of this variant in disease. Therefore, it has been classified as a Variant of Uncertain Significance.

Literature cited by the submitters: PubMed 17576681; PubMed 9536098.